The following is an entry in ClinVar:

ClinVar aggregate classification (germline): Conflicting classifications of pathogenicity. Review status: criteria provided, conflicting classifications (1 of 4 stars). 3 submissions from 3 submitters: Uncertain significance (2); Likely benign (1). Last evaluated 2026-01-21.

Allele frequency attached by ClinVar (database versions not stated): gnomAD 0.00001 and 0.00004; TOPMed 0.00002; gnomAD exomes 0.00008 and 0.00014; ExAC 0.00015.
gnomAD v4.1: 126 of 1,613,858 alleles (0.0078%); highest among the groups gnomAD compares: South Asian, 0.098%; 1 homozygote.

Submissions (3):

Labcorp Genetics (formerly Invitae), Labcorp
Classification: Likely benign. Last evaluated: 2026-01-21. Review status: criteria provided, single submitter. Criteria: Invitae Variant Classification Sherloc (09022015). Collection method: clinical testing. Allele origin: germline.

Mayo Clinic Laboratories, Mayo Clinic
Classification: Uncertain significance. Last evaluated: 2025-09-18. Review status: criteria provided, single submitter. Criteria: ACMG Guidelines, 2015. Collection method: clinical testing. Allele origin: germline. Observed: 1 variant allele.
Comment: BP4_moderate

Ambry Genetics
Classification: Uncertain significance. Last evaluated: 2023-05-05. Review status: criteria provided, single submitter. Criteria: Ambry Variant Classification Scheme 2023. Collection method: clinical testing. Allele origin: germline.

NM_021813.4(BACH2):c.898G>A (p.Ala300Thr)

Gene: BACH2 (BACH transcriptional regulator 2; minus strand). Cytogenetic location: 6q15.
Variant type: single nucleotide variant.
Coding change: c.898G>A on transcript NM_021813.4 (MANE Select); coding-DNA position 898, G replaced by A.
Protein change: p.Ala300Thr; replaces alanine 300 with threonine.
Molecular consequence: missense variant.
Genome position (GRCh38, 1-based): chr6:89,951,208, C>T on the plus strand (G>A on the coding strand, the complement: BACH2 is on the minus strand). VCF-style: chr6-89951208-C-T. GRCh37 (hg19) VCF-style: chr6-90660927-C-T.
Other names: p.Ala300Thr; c.898G>A (NM_021813.2); c.898G>A, p.Ala300Thr (NM_001170794.2); short protein forms A300T.
Identifiers: ClinVar variation 1389342 (VCV001389342.8), dbSNP rs768727078, ClinGen allele CA3928088.
Genomic context (GRCh38, chr6:89,951,208, plus strand): 5'-GGGTAGGGGCAGGGCTGGGCTGTTTCCGGTCCATCTCGACATCCCCCGCTCTGTCCTTGG[C>T]GTCAGGCTCATCTCCAGACAGGCAGAGCGTGATGCTCTCTTCCTCATTCTCTTCACTGGG-3'
Protein context (NP_068585.1, residues 290-310): TLCLSGDEPD[Ala300Thr]KDRAGDVEMD